The following is an entry in ClinVar:

NM_007294.4(BRCA1):c.5418A>G (p.Pro1806=)

Gene: BRCA1 (BRCA1 DNA repair associated; minus strand). Cytogenetic location: 17q21.31.
Variant type: single nucleotide variant.
Coding change: c.5418A>G on transcript NM_007294.4 (MANE Select); coding-DNA position 5418, A replaced by G.
Protein change: p.Pro1806=; no amino-acid change (proline 1806 retained).
Molecular consequence: synonymous variant. On other transcripts: missense variant (17).
Genome position (GRCh38, 1-based): chr17:43,047,692, T>C on the plus strand (A>G on the coding strand, the complement: BRCA1 is on the minus strand). VCF-style: chr17-43047692-T-C. GRCh37 (hg19) VCF-style: chr17-41199709-T-C.
Other names: c.5205A>G, p.Pro1735= (NM_001407571.1, NM_001407894.1, NM_001407895.1 and 12 more transcripts); c.5484A>G, p.Pro1828= (NM_001407581.1, NM_001407582.1); c.5481A>G, p.Pro1827= (NM_001407583.1, NM_001407585.1, NM_001407587.1 and 1 more transcripts); c.5478A>G, p.Pro1826= (NM_001407590.1, NM_001407591.1); c.5418A>G, p.Pro1806= (NM_001407593.1, NM_001407594.1, NM_001407596.1 and 5 more transcripts); c.5415A>G, p.Pro1805= (NM_001407610.1, NM_001407611.1, NM_001407612.1 and 14 more transcripts); c.5412A>G, p.Pro1804= (NM_001407627.1, NM_001407628.1, NM_001407629.1 and 13 more transcripts); c.5409A>G, p.Pro1803= (NM_001407644.1, NM_001407645.1); and 83 more; short protein forms N678D, N1781D, N1735D, N1780D, N677D, N1734D, N1739D, N1740D.
Identifiers: ClinVar variation 868474 (VCV000868474.3), dbSNP rs1555574766, ClinGen allele CA10590619.

Conditions:
Breast-ovarian cancer, familial, susceptibility to, 1 (BROVCA1). Also called: BRCA1 Hereditary Breast and Ovarian Cancer; OVARIAN CANCER, SUSCEPTIBILITY TO. Identifiers: Orphanet 145, MedGen C2676676, MONDO:0011450, OMIM 604370. Disease mechanism: loss of function.

Submission:

Brotman Baty Institute, University of Washington
No classification provided (evidence only). Condition: Breast-ovarian cancer, familial 1. Review status: no classification provided. Collection method: in vitro. Allele origin: not applicable. Functional consequence: functionally_normal.
ClinVar note: "not provided" was previously submitted as the classification for the variant. However, the classification appeared to be based only on an observation of functional data so it was converted to no classification on 2025-07-30.